The following is an entry in ClinVar:

NM_000489.6(ATRX):c.5686A>G (p.Lys1896Glu)

Gene: ATRX (ATRX chromatin remodeler; minus strand). Cytogenetic location: Xq21.1.
Variant type: single nucleotide variant.
Coding change: c.5686A>G on transcript NM_000489.6 (MANE Select); coding-DNA position 5686, A replaced by G.
Protein change: p.Lys1896Glu; replaces lysine 1896 with glutamic acid.
Molecular consequence: missense variant.
Genome position (GRCh38, 1-based): chrX:77,600,445, T>C on the plus strand (A>G on the coding strand, the complement: ATRX is on the minus strand). VCF-style: chrX-77600445-T-C. GRCh37 (hg19) VCF-style: chrX-76855914-T-C.
Other names: c.5572A>G, p.Lys1858Glu (NM_138270.5); short protein forms K1896E, K1858E.
Identifiers: ClinVar variation 590205 (VCV000590205.3), dbSNP rs1569528925, ClinGen allele CA413698164.

ClinVar aggregate classification (germline): Uncertain significance (1 of 4 stars; one submission).

Conditions:
History of neurodevelopmental disorder. Identifiers: MedGen C2711754.

Submission:

Ambry Genetics
Classification: Uncertain significance for History of neurodevelopmental disorder. Last evaluated: 2013-05-15. Review status: criteria provided, single submitter. Criteria: Ambry Autosomal Dominant and X-Linked criteria (10/2015). Collection method: clinical testing. Allele origin: germline. Observed: 1 variant allele.
Comment: There is insufficient or conflicting evidence for classification of this alteration.